The following is an entry in ClinVar:

ClinVar aggregate classification (germline): Uncertain significance (1 of 4 stars; one submission).

Allele frequency attached by ClinVar (database versions not stated): gnomAD exomes below 0.00001 and 0.00001; ExAC 0.00001; gnomAD 0.00001 and 0.00002; TOPMed 0.00001.
gnomAD v4.1: 9 of 1,613,958 alleles (0.00056%); highest among the groups gnomAD compares: East Asian, 0.0045%; no homozygotes.

Submission:

Labcorp Genetics (formerly Invitae), Labcorp
Classification: Uncertain significance. Last evaluated: 2024-04-15. Review status: criteria provided, single submitter. Criteria: Invitae Variant Classification Sherloc (09022015). Collection method: clinical testing. Allele origin: germline.
Comment: This sequence change replaces serine, which is neutral and polar, with leucine, which is neutral and non-polar, at codon 3 of the CAPN5 protein (p.Ser3Leu). The frequency data for this variant in the population databases is considered unreliable, as metrics indicate poor data quality at this position in the gnomAD database. This variant has not been reported in the literature in individuals affected with CAPN5-related conditions. ClinVar contains an entry for this variant (Variation ID: 1007693). An algorithm developed to predict the effect of missense changes on protein structure and function (PolyPhen-2) suggests that this variant is likely to be disruptive. In summary, the available evidence is currently insufficient to determine the role of this variant in disease. Therefore, it has been classified as a Variant of Uncertain Significance.

NM_004055.5(CAPN5):c.8C>T (p.Ser3Leu)

Gene: CAPN5 (calpain 5; plus strand). Cytogenetic location: 11q13.5.
Variant type: single nucleotide variant.
Coding change: c.8C>T on transcript NM_004055.5 (MANE Select); coding-DNA position 8, C replaced by T.
Protein change: p.Ser3Leu; replaces serine 3 with leucine.
Molecular consequence: missense variant.
Genome position (GRCh38, 1-based): chr11:77,084,894, C>T. VCF-style: chr11-77084894-C-T. GRCh37 (hg19) VCF-style: chr11-76795940-C-T.
Other names: short protein forms S3L.
Identifiers: ClinVar variation 1007693 (VCV001007693.10), dbSNP rs781796599, ClinGen allele CA6196063.
Genomic context (GRCh38, chr11:77,084,894, plus strand): 5'-TCTTGCCTTCCTGTCCAGGTGTTCCCCCTCCCCTCCCTGGGGCAGCAGCCACCATGTTCT[C>T]GTGTGTGAAGCCCTATGAGGACCAGAACTACTCAGCCCTGAGGCGGGACTGCCGGCGCAG-3'
Protein context (NP_004046.2, residues 1-13): MF[Ser3Leu]CVKPYEDQNY